The following is an entry in ClinVar:

NM_001199138.2(NLRC4):c.2672_2674del (p.Asp891del)

Gene: NLRC4 (NLR family CARD domain containing 4; minus strand). Cytogenetic location: 2p22.3.
Variant type: Deletion.
Coding change: c.2672_2674del on transcript NM_001199138.2 (MANE Select); coding-DNA positions 2672 to 2674, 3 bases deleted (ACG; older notation c.2672_2674delACG).
Protein change: p.Asp891del; deletes aspartic acid 891.
Molecular consequence: inframe indel (on NM_001199139.2).
Genome position (GRCh38, 1-based): chr2:32,235,509-32,235,511, CGT deleted on the plus strand (ACG on the coding strand, the reverse complement: NLRC4 is on the minus strand); deleting any 3 consecutive bases within chr2:32,235,509-32,235,512 gives the same sequence; the c. name uses the placement nearest the transcript's 3' end. VCF-style (leftmost placement, unchanged base first): chr2-32235508-ACGT-A. GRCh37 (hg19) VCF-style: chr2-32460577-ACGT-A.
Other names: c.2671_2673delGAC, p.Asp891del (NM_001199139.2, NM_021209.5); c.676_678delGAC, p.Asp226del (NM_001302504.2); short protein forms D226del, D891del.
Identifiers: ClinVar variation 1491494 (VCV001491494.8), dbSNP rs1217280032, ClinGen allele CA531767592.

ClinVar aggregate classification (germline): Uncertain significance (1 of 4 stars; one submission).

Conditions:
Familial cold autoinflammatory syndrome 4 (FCAS4). Identifiers: Orphanet 47045, Orphanet 576349, MedGen C4015276, MONDO:0014498, OMIM 616115.
Periodic fever-infantile enterocolitis-autoinflammatory syndrome. Also called: Autoinflammation with infantile enterocolitis. Identifiers: Orphanet 436166, MedGen C4015067, MONDO:0014472, OMIM 616050.

Submission:

Labcorp Genetics (formerly Invitae), Labcorp
Classification: Uncertain significance for Periodic fever-infantile enterocolitis-autoinflammatory syndrome; Familial cold autoinflammatory syndrome 4. Last evaluated: 2025-12-08. Review status: criteria provided, single submitter. Criteria: Invitae Variant Classification Sherloc (09022015). Collection method: clinical testing. Allele origin: germline.
Comment: This variant, c.2672_2674del, results in the deletion of 1 amino acid(s) of the NLRC4 protein (p.Asp891del), but otherwise preserves the integrity of the reading frame. This variant is present in population databases (no rsID available, gnomAD 0.007%). This variant has not been reported in the literature in individuals affected with NLRC4-related conditions. ClinVar contains an entry for this variant (Variation ID: 1491494). Experimental studies and prediction algorithms are not available or were not evaluated, and the functional significance of this variant is currently unknown. In summary, the available evidence is currently insufficient to determine the role of this variant in disease. Therefore, it has been classified as a Variant of Uncertain Significance.